The following is an entry in ClinVar:

ClinVar aggregate classification (germline): Uncertain significance (1 of 4 stars; one submission).

Submission:

Mayo Clinic Laboratories, Mayo Clinic
Classification: Uncertain significance. Last evaluated: 2024-08-02. Review status: criteria provided, single submitter. Criteria: ACMG Guidelines, 2015. Collection method: clinical testing. Allele origin: germline. Observed: 2 variant alleles.
Comment: PM2

NM_000548.5(TSC2):c.2640-13_2640-10del

Gene: TSC2 (TSC complex subunit 2; plus strand). Cytogenetic location: 16p13.3.
Variant type: Deletion.
Coding change: c.2640-13_2640-10del on transcript NM_000548.5 (MANE Select); 13 bases into the intron before coding-DNA position 2640 through 10 bases into the intron before coding-DNA position 2640, 4 bases deleted (CTTC; older notation c.2640-13_2640-10delCTTC).
Molecular consequence: intron variant.
Genome position (GRCh38, 1-based): chr16:2,076,055-2,076,058, CTTC deleted; deleting any 4 consecutive bases within chr16:2,076,054-2,076,058 gives the same sequence; the c. name uses the placement nearest the transcript's 3' end. VCF-style (leftmost placement, unchanged base first): chr16-2076053-CCCTT-C. GRCh37 (hg19) VCF-style: chr16-2126054-CCCTT-C.
Other names: p.?; c.1296-13_1296-10del (NM_001406693.1, NM_001406689.1, NM_001406690.1 and 6 more transcripts); c.2730-13_2730-10del (NM_001406667.1, NM_001406668.1); c.2040-13_2040-10del (NM_001406680.1, NM_001406683.1, NM_001406687.1 and 6 more transcripts); c.1038-13_1038-10del (NM_001406698.1); c.2640-13_2640-10del (NM_001114382.3, NM_001406663.1, NM_001406664.1 and 6 more transcripts); c.2628-13_2628-10del (NM_001406671.1, NM_001406673.1); c.2178-13_2178-10del (NM_001406681.1); and 4 more.
Identifiers: ClinVar variation 3380340 (VCV003380340.1).